The following is an entry in ClinVar:

ClinVar aggregate classification (germline): Uncertain significance. Review status: criteria provided, multiple submitters, no conflicts (2 of 4 stars). 5 submissions from 5 submitters: Uncertain significance (5). Last evaluated 2025-11-10.

Conditions:
Hereditary cancer-predisposing syndrome. Also called: Hereditary Cancer Syndrome; Hereditary neoplastic syndrome; Neoplastic Syndromes, Hereditary; Tumor predisposition. Identifiers: Orphanet 140162, MedGen C0027672, MeSH D009386, MONDO:0015356.
Colorectal cancer, susceptibility to, 12 (CRCS12). Also called: COLORECTAL CANCER, SUSCEPTIBILITY TO, ON CHROMOSOME 12q24. Identifiers: Orphanet 220460, MedGen C3554460, MONDO:0014038, OMIM 615083.

Allele frequency attached by ClinVar (database versions not stated): ExAC 0.00001; gnomAD 0.00002; gnomAD exomes 0.00002; TOPMed 0.00002.
gnomAD v4.1: 30 of 1,613,236 alleles (0.0019%); highest among the groups gnomAD compares: Middle Eastern, 0.033%; no homozygotes.

Submissions (5):

Labcorp Genetics (formerly Invitae), Labcorp
Classification: Uncertain significance. Last evaluated: 2025-11-10. Review status: criteria provided, single submitter. Criteria: Invitae Variant Classification Sherloc (09022015). Collection method: clinical testing. Allele origin: germline.
Comment: This sequence change replaces arginine, which is basic and polar, with glutamine, which is neutral and polar, at codon 1308 of the POLE protein (p.Arg1308Gln). This variant is present in population databases (rs759793243, gnomAD 0.007%). This variant has not been reported in the literature in individuals affected with POLE-related conditions. ClinVar contains an entry for this variant (Variation ID: 405697). Invitae Evidence Modeling of protein sequence and biophysical properties (such as structural, functional, and spatial information, amino acid conservation, physicochemical variation, residue mobility, and thermodynamic stability) indicates that this missense variant is not expected to disrupt POLE protein function with a negative predictive value of 80%. RNA analysis performed to evaluate the impact of this missense change on mRNA splicing indicates it does not significantly alter splicing (internal data). In summary, the available evidence is currently insufficient to determine the role of this variant in disease. Therefore, it has been classified as a Variant of Uncertain Significance.

St. Jude Molecular Pathology, St. Jude Children's Research Hospital
Classification: Uncertain significance for Colorectal cancer, susceptibility to, 12. Last evaluated: 2025-06-17. Review status: criteria provided, single submitter. Criteria: St. Jude Assertion Criteria 2020. Collection method: clinical testing. Allele origin: germline.
Comment: The POLE c.3923G>A p.(Arg1308Gln) missense change has a maximum subpopulation frequency of 0.0064% in gnomAD v2.1.1. The in silico tool REVEL predicts a benign effect on protein function, but to our knowledge this prediction has not been confirmed by functional studies. To our knowledge, this variant has not been reported in the literature in individuals with POLE-related disease. In summary, the evidence currently available is insufficient to determine the clinical significance of this variant. It has therefore been classified as of uncertain significance.

Ambry Genetics
Classification: Uncertain significance for Hereditary cancer-predisposing syndrome. Last evaluated: 2025-06-03. Review status: criteria provided, single submitter. Criteria: Ambry Variant Classification Scheme 2023. Collection method: clinical testing. Allele origin: germline.

GeneDx
Classification: Uncertain significance. Last evaluated: 2024-01-19. Review status: criteria provided, single submitter. Criteria: GeneDx Variant Classification Process June 2021. Collection method: clinical testing. Allele origin: germline. Affected: yes.
Comment: Not observed at significant frequency in large population cohorts (gnomAD); In silico analysis supports that this missense variant does not alter protein structure/function; Has not been previously published as pathogenic or benign to our knowledge

Quest Diagnostics Nichols Institute San Juan Capistrano
Classification: Uncertain significance. Last evaluated: 2019-08-02. Review status: criteria provided, single submitter. Criteria: Quest Diagnostics criteria. Collection method: clinical testing. Allele origin: germline.

NM_006231.4(POLE):c.3923G>A (p.Arg1308Gln)

Gene: POLE (DNA polymerase epsilon, catalytic subunit; minus strand). Cytogenetic location: 12q24.33.
Variant type: single nucleotide variant.
Coding change: c.3923G>A on transcript NM_006231.4 (MANE Select); coding-DNA position 3923, G replaced by A.
Protein change: p.Arg1308Gln; replaces arginine 1308 with glutamine.
Molecular consequence: missense variant.
Genome position (GRCh38, 1-based): chr12:132,649,388, C>T on the plus strand (G>A on the coding strand, the complement: POLE is on the minus strand). VCF-style: chr12-132649388-C-T. GRCh37 (hg19) VCF-style: chr12-133225974-C-T.
Other names: c.3923G>A (NM_006231.2); short protein forms R1308Q.
Identifiers: ClinVar variation 405697 (VCV000405697.15), dbSNP rs759793243, ClinGen allele CA6893050.